The following is an entry in ClinVar:

NM_176824.3(BBS7):c.1903C>G (p.His635Asp)

Gene: BBS7 (Bardet-Biedl syndrome 7; minus strand). Cytogenetic location: 4q27.
Variant type: single nucleotide variant.
Coding change: c.1903C>G on transcript NM_176824.3 (MANE Select); coding-DNA position 1903, C replaced by G.
Protein change: p.His635Asp; replaces histidine 635 with aspartic acid.
Molecular consequence: missense variant.
Genome position (GRCh38, 1-based): chr4:121,828,257, G>C on the plus strand (C>G on the coding strand, the complement: BBS7 is on the minus strand). VCF-style: chr4-121828257-G-C. GRCh37 (hg19) VCF-style: chr4-122749412-G-C.
Other names: c.1903C>G, p.His635Asp (NM_018190.4); short protein forms H635D.
Identifiers: ClinVar variation 4987325 (VCV004987325.1).

ClinVar aggregate classification (germline): Uncertain significance (1 of 4 stars; one submission).

Conditions:
BBS7-related disorder. Also called: BBS7-related condition.

gnomAD v4.1: 1 of 1,613,076 alleles (0.000062%); highest among the groups gnomAD compares: Admixed American, 0.0017%; no homozygotes.

Submission:

PreventionGenetics, part of Exact Sciences
Classification: Uncertain significance for BBS7-related condition. Last evaluated: 2026-07-06. Review status: criteria provided, single submitter. Criteria: ACMG Guidelines, 2015. Collection method: clinical testing. Allele origin: germline.
Comment: The BBS7 c.1903C>G variant is predicted to result in the amino acid substitution p.His635Asp. To our knowledge, this variant has not been reported in the literature or in a large population database (gnomAD), indicating this variant is rare. At this time, the clinical significance of this variant is uncertain due to the absence of conclusive functional and genetic evidence.